The following is an entry in ClinVar:

ClinVar aggregate classification (germline): Likely benign (1 of 4 stars; one submission).

Allele frequency attached by ClinVar (database versions not stated): ExAC 0.00002; gnomAD 0.00003; TOPMed 0.00003; gnomAD exomes 0.00001.
gnomAD v4.1: 19 of 1,613,344 alleles (0.0012%); highest among the groups gnomAD compares: African/African-American, 0.0067%; no homozygotes.

Submission:

CeGaT Center for Human Genetics Tuebingen
Classification: Likely benign. Last evaluated: 2023-08-01. Review status: criteria provided, single submitter. Criteria: CeGaT Center For Human Genetics Tuebingen Variant Classification Criteria Version 2. Collection method: clinical testing. Allele origin: germline. Affected: yes. Observed: 1 variant allele.
Comment: FLT4: BP4, BP7

NM_182925.5(FLT4):c.1491C>T (p.Ala497=)

Gene: FLT4 (fms related receptor tyrosine kinase 4; minus strand). Cytogenetic location: 5q35.3.
Variant type: single nucleotide variant.
Coding change: c.1491C>T on transcript NM_182925.5 (MANE Select); coding-DNA position 1491, C replaced by T.
Protein change: p.Ala497=; no amino-acid change (alanine 497 retained).
Molecular consequence: synonymous variant.
Genome position (GRCh38, 1-based): chr5:180,623,992, G>A on the plus strand (C>T on the coding strand, the complement: FLT4 is on the minus strand). VCF-style: chr5-180623992-G-A. GRCh37 (hg19) VCF-style: chr5-180050992-G-A.
Other names: c.1491C>T, p.Ala497= (NM_001354989.2, NM_002020.5).
Identifiers: ClinVar variation 2656158 (VCV002656158.24), dbSNP rs751517485, ClinGen allele CA3606703.
Genomic context (GRCh38, chr5:180,623,992, plus strand): 5'-TACCTTATTCTTTCCCTCCACAAACTCGGTCCAGGTGTCCAGGCTCTCGATGGGGTTCAC[G>A]GCATCCTGCGTGGTCACCGCCCTCCAGTCACGGCACTGTGGCATGAGGTCTTGCTGCTGC-3'
Protein context (NP_891555.2, residues 487-507): RDWRAVTTQD[Ala497=]VNPIESLDTW